The following is an entry in ClinVar:

ClinVar aggregate classification (germline): Uncertain significance (1 of 4 stars; one submission).

Submission:

Women's Health and Genetics/Laboratory Corporation of America, LabCorp
Classification: Uncertain significance. Last evaluated: 2025-05-16. Review status: criteria provided, single submitter. Criteria: LabCorp Variant Classification Summary - May 2015. Collection method: clinical testing. Allele origin: germline.
Comment: Variant summary: CYP1B1 c.574G>A (p.Asp192Asn) results in a conservative amino acid change in the encoded protein sequence. Algorithms developed to predict the effect of missense changes on protein structure and function all suggest that this variant is likely to be tolerated. The variant was absent in 171390 control chromosomes. The available data on variant occurrences in the general population are insufficient to allow any conclusion about variant significance. To our knowledge, no occurrence of c.574G>A in individuals affected with Primary Congenital Glaucoma and no experimental evidence demonstrating its impact on protein function have been reported. No submitters have cited clinical-significance assessments for this variant to ClinVar. Based on the evidence outlined above, the variant was classified as uncertain significance.

NM_000104.4(CYP1B1):c.574G>A (p.Asp192Asn)

Gene: CYP1B1 (cytochrome P450 family 1 subfamily B member 1; minus strand). Cytogenetic location: 2p22.2.
Variant type: single nucleotide variant.
Coding change: c.574G>A on transcript NM_000104.4 (MANE Select); coding-DNA position 574, G replaced by A.
Protein change: p.Asp192Asn; replaces aspartic acid 192 with asparagine.
Molecular consequence: missense variant.
Genome position (GRCh38, 1-based): chr2:38,074,815, C>T on the plus strand (G>A on the coding strand, the complement: CYP1B1 is on the minus strand). VCF-style: chr2-38074815-C-T. GRCh37 (hg19) VCF-style: chr2-38301958-C-T.
Other names: short protein forms D192N.
Identifiers: ClinVar variation 3902164 (VCV003902164.1).
Genomic context (GRCh38, chr2:38,074,815, plus strand): 5'-AGCCGAAACACACGGCACTCATGACGTTGGCCACGGCCACGACGGTCAGCGGCCTCGGGT[C>T]GAGGAAGGCGCCGTCCGCGCTGCCGCGCACCAGCAGCGCCACCAGCTCGCGCGCCTCGCT-3'
Protein context (NP_000095.2, residues 182-202): VRGSADGAFL[Asp192Asn]PRPLTVVAVA